The following is an entry in ClinVar:

ClinVar aggregate classification (germline): Uncertain significance. Review status: criteria provided, multiple submitters, no conflicts (2 of 4 stars). 3 submissions from 3 submitters: Uncertain significance (3). Last evaluated 2025-04-17.

Conditions:
Inborn genetic diseases. Identifiers: MedGen C0950123, MeSH D030342.

Allele frequency attached by ClinVar (database versions not stated): ESP Exome Variant Server 0.00008; ExAC 0.00011; gnomAD 0.00012.
gnomAD v4.1: 309 of 1,610,464 alleles (0.019%); highest among the groups gnomAD compares: Middle Eastern, 0.033%; no homozygotes.

Submissions (3):

Ambry Genetics
Classification: Uncertain significance for Inborn genetic diseases. Last evaluated: 2025-04-17. Review status: criteria provided, single submitter. Criteria: Ambry Variant Classification Scheme 2023. Collection method: clinical testing. Allele origin: germline.

Blueprint Genetics
Classification: Uncertain significance. Last evaluated: 2023-04-14. Review status: criteria provided, single submitter. Criteria: ACMG Guidelines, 2015. Collection method: clinical testing. Allele origin: germline.

GeneDx
Classification: Uncertain significance. Last evaluated: 2023-03-21. Review status: criteria provided, single submitter. Criteria: GeneDx Variant Classification Process June 2021. Collection method: clinical testing. Allele origin: germline. Affected: yes.
Comment: In silico analysis supports that this missense variant has a deleterious effect on protein structure/function; Has not been previously published as pathogenic or benign to our knowledge

NM_014704.4(CEP104):c.271C>T (p.Arg91Trp)

Gene: CEP104 (centrosomal protein 104; minus strand). Cytogenetic location: 1p36.32.
Variant type: single nucleotide variant.
Coding change: c.271C>T on transcript NM_014704.4 (MANE Select); coding-DNA position 271, C replaced by T.
Protein change: p.Arg91Trp; replaces arginine 91 with tryptophan.
Molecular consequence: missense variant.
Genome position (GRCh38, 1-based): chr1:3,848,624, G>A on the plus strand (C>T on the coding strand, the complement: CEP104 is on the minus strand). VCF-style: chr1-3848624-G-A. GRCh37 (hg19) VCF-style: chr1-3765188-G-A.
Other names: short protein forms R91W.
Identifiers: ClinVar variation 2508722 (VCV002508722.5), dbSNP rs201531250, ClinGen allele CA552021.